The following is an entry in ClinVar:

NM_152564.5(VPS13B):c.4989dup (p.Val1664fs)

Gene: VPS13B (vacuolar protein sorting 13 homolog B; plus strand). Cytogenetic location: 8q22.2.
Variant type: Duplication.
Coding change: c.4989dup on transcript NM_152564.5 (MANE Select); coding-DNA position 4989, one base duplicated (C; older notation c.4989dupC).
Protein change: p.Val1664fs; shifts the reading frame from valine 1664.
Molecular consequence: frameshift variant.
Genome position (GRCh38, 1-based): chr8:99,575,697, C duplicated; the last of 5 consecutive C bases (chr8:99,575,693-99,575,697); duplicating any one gives the same sequence. VCF-style (leftmost placement, unchanged base first): chr8-99575692-A-AC. GRCh37 (hg19) VCF-style: chr8-100587920-A-AC.
Other names: c.5064dup, p.Val1689fs (NM_017890.5); short protein forms V1664fs, V1689fs.
Identifiers: ClinVar variation 3389373 (VCV003389373.16).

ClinVar aggregate classification (germline): Pathogenic. Review status: criteria provided, multiple submitters, no conflicts (2 of 4 stars). 2 submissions from 2 submitters: Pathogenic (2). Last evaluated 2024-11-01.

Conditions:
Cohen syndrome (COH1). Also called: PEPPER SYNDROME; Cutis verticis gyrata, retinitis pigmentosa, and sensorineural deafness. Identifiers: Orphanet 193, MedGen C0265223, MONDO:0008999, OMIM 216550.

Submissions (2):

CeGaT Center for Human Genetics Tuebingen
Classification: Pathogenic. Last evaluated: 2024-11-01. Review status: criteria provided, single submitter. Criteria: CeGaT Center For Human Genetics Tuebingen Variant Classification Criteria Version 2. Collection method: clinical testing. Allele origin: germline. Affected: yes. Observed: 1 variant allele.
Comment: VPS13B: PVS1, PM2

Labcorp Genetics (formerly Invitae), Labcorp
Classification: Pathogenic for Cohen syndrome. Last evaluated: 2024-03-15. Review status: criteria provided, single submitter. Criteria: Invitae Variant Classification Sherloc (09022015). Collection method: clinical testing. Allele origin: germline.
Comment: This sequence change creates a premature translational stop signal (p.Val1689Argfs*29) in the VPS13B gene. It is expected to result in an absent or disrupted protein product. Loss-of-function variants in VPS13B are known to be pathogenic (PMID: 15141358, 16648375, 20461111). This variant is not present in population databases (gnomAD no frequency). This variant has not been reported in the literature in individuals affected with VPS13B-related conditions. For these reasons, this variant has been classified as Pathogenic.

Literature cited by the submitters: PubMed 15141358 (cited by Labcorp Genetics (formerly Invitae), Labcorp); PubMed 16648375 (cited by Labcorp Genetics (formerly Invitae), Labcorp); PubMed 20461111 (cited by Labcorp Genetics (formerly Invitae), Labcorp).